The following is an entry in ClinVar:

NM_006258.4(PRKG1):c.2041G>A (p.Gly681Arg)

Gene: PRKG1 (protein kinase cGMP-dependent 1; plus strand). Cytogenetic location: 10q21.1.
Variant type: single nucleotide variant.
Coding change: c.2041G>A on transcript NM_006258.4 (MANE Select); coding-DNA position 2041, G replaced by A.
Protein change: p.Gly681Arg; replaces glycine 681 with arginine.
Molecular consequence: missense variant.
Genome position (GRCh38, 1-based): chr10:52,293,880, G>A. VCF-style: chr10-52293880-G-A. GRCh37 (hg19) VCF-style: chr10-54053640-G-A.
Other names: c.1996G>A, p.Gly666Arg (NM_001098512.3); c.832G>A, p.Gly278Arg (NM_001374781.1); c.2041G>A (NM_006258.3); short protein forms G666R, G278R, G681R.
Identifiers: ClinVar variation 2171843 (VCV002171843.4), dbSNP rs370223766, ClinGen allele CA5504014.

ClinVar aggregate classification (germline): Uncertain significance. Review status: criteria provided, multiple submitters, no conflicts (2 of 4 stars). 2 submissions from 2 submitters: Uncertain significance (2). Last evaluated 2024-10-05.

Conditions:
Familial thoracic aortic aneurysm and aortic dissection (TAAD). Also called: Thoracic aortic aneurysms and dissections. Identifiers: Orphanet 91387, MedGen C4707243, MONDO:0019625.
Aortic aneurysm, familial thoracic 8 (AAT8). Identifiers: MedGen C3809513, MONDO:0014187, OMIM 615436.

Allele frequency attached by ClinVar (database versions not stated): TOPMed below 0.00001; gnomAD 0.00001; ExAC 0.00002; ESP Exome Variant Server 0.00008.
gnomAD v4.1: 5 of 1,611,512 alleles (0.00031%); highest among the groups gnomAD compares: Middle Eastern, 0.016%; no homozygotes.

Submissions (2):

Labcorp Genetics (formerly Invitae), Labcorp
Classification: Uncertain significance for Aortic aneurysm, familial thoracic 8. Last evaluated: 2024-10-05. Review status: criteria provided, single submitter. Criteria: Invitae Variant Classification Sherloc (09022015). Collection method: clinical testing. Allele origin: germline.
Comment: This sequence change replaces glycine, which is neutral and non-polar, with arginine, which is basic and polar, at codon 681 of the PRKG1 protein (p.Gly681Arg). This variant is present in population databases (rs370223766, gnomAD 0.003%). This variant has not been reported in the literature in individuals affected with PRKG1-related conditions. ClinVar contains an entry for this variant (Variation ID: 2171843). An algorithm developed to predict the effect of missense changes on protein structure and function (PolyPhen-2) suggests that this variant is likely to be disruptive. In summary, the available evidence is currently insufficient to determine the role of this variant in disease. Therefore, it has been classified as a Variant of Uncertain Significance.

Ambry Genetics
Classification: Uncertain significance for Familial thoracic aortic aneurysm and aortic dissection. Last evaluated: 2024-08-12. Review status: criteria provided, single submitter. Criteria: Ambry Variant Classification Scheme 2023. Collection method: clinical testing. Allele origin: germline.